The following is an entry in ClinVar:

ClinVar aggregate classification (germline): Uncertain significance (1 of 4 stars; one submission).

Submission:

Labcorp Genetics (formerly Invitae), Labcorp
Classification: Uncertain significance. Last evaluated: 2021-09-26. Review status: criteria provided, single submitter. Criteria: Invitae Variant Classification Sherloc (09022015). Collection method: clinical testing. Allele origin: germline.
Comment: In summary, the available evidence is currently insufficient to determine the role of this variant in disease. Therefore, it has been classified as a Variant of Uncertain Significance. This variant has not been reported in the literature in individuals affected with SUCO-related conditions. This variant is not present in population databases (ExAC no frequency). This sequence change creates a premature translational stop signal (p.Ser32Phefs*13) in the SUCO gene. It is expected to result in an absent or disrupted protein product. However, the current clinical and genetic evidence is not sufficient to establish whether loss-of-function variants in SUCO cause disease.

NM_014283.5(SUCO):c.94_95del (p.Ser32fs)

Gene: SUCO (SUN domain containing ossification factor; plus strand). Cytogenetic location: 1q24.3.
Variant type: Microsatellite.
Coding change: c.94_95del on transcript NM_014283.5 (MANE Select); coding-DNA positions 94 to 95, 2 bases deleted (AG; older notation c.94_95delAG).
Protein change: p.Ser32fs; shifts the reading frame from serine 32.
Molecular consequence: frameshift variant. On other transcripts: 5 prime UTR variant (1).
Genome position (GRCh38, 1-based): chr1:172,551,543-172,551,544, AG deleted; deleting any 2 consecutive bases within chr1:172,551,539-172,551,544 gives the same sequence; the c. name uses the placement nearest the transcript's 3' end. VCF-style (leftmost placement, unchanged base first): chr1-172551538-AAG-A. GRCh37 (hg19) VCF-style: chr1-172520678-AAG-A.
Other names: c.94_95del, p.Ser32fs (NM_001282750.2); c.-1440AG[2] (NM_001282751.2); c.679_680del, p.Ser227fs (NM_016227.4); short protein forms S32fs, S227fs.
Identifiers: ClinVar variation 1521428 (VCV001521428.6), dbSNP rs2149227761, ClinGen allele CA2580611510.
Genomic context (GRCh38, chr1:172,551,538, plus strand): 5'-TTTCTGTTTGTTGGTGGTGGTGGGTGTTTTACAGGCTTCCCAGCTGGCGTGTATGTTGTA[AAG>A]AGAGTTCTTCAGCTTCAGCGTCATCATATTACTCTCAAGATGACAACTGCGCACTAGAAA-3'